The following is an entry in ClinVar:

NM_144997.7(FLCN):c.249+5G>A

Gene: FLCN (folliculin; minus strand). Cytogenetic location: 17p11.2.
Variant type: single nucleotide variant.
Coding change: c.249+5G>A on transcript NM_144997.7 (MANE Select); 5 bases into the intron after coding-DNA position 249, G replaced by A.
Molecular consequence: intron variant.
Genome position (GRCh38, 1-based): chr17:17,227,884, C>T on the plus strand (G>A on the coding strand, the complement: FLCN is on the minus strand). VCF-style: chr17-17227884-C-T. GRCh37 (hg19) VCF-style: chr17-17131198-C-T.
Other names: c.249+5G>A (NM_001353231.2, NM_001353230.2, NM_001353229.2 and 2 more transcripts).
Identifiers: ClinVar variation 418211 (VCV000418211.9), dbSNP rs1064793127, ClinGen allele CA16620340.

ClinVar aggregate classification (germline): Likely pathogenic. Review status: criteria provided, multiple submitters, no conflicts (2 of 4 stars). 3 submissions from 3 submitters: Likely pathogenic (3). Last evaluated 2026-06-30.

Conditions:
Hereditary cancer-predisposing syndrome. Also called: Neoplastic Syndromes, Hereditary; Hereditary Cancer Syndrome; Tumor predisposition; Hereditary neoplastic syndrome. Identifiers: Orphanet 140162, MedGen C0027672, MeSH D009386, MONDO:0015356.
Birt-Hogg-Dube syndrome. Also called: Birt Hogg Dubé syndrome. Identifiers: Orphanet 122, MedGen C0346010, MONDO:0800444.

Allele frequency attached by ClinVar (database versions not stated): gnomAD 0.00001; gnomAD exomes below 0.00001.

Submissions (3):

Ambry Genetics
Classification: Likely pathogenic for Hereditary cancer-predisposing syndrome. Last evaluated: 2026-06-30. Review status: criteria provided, single submitter. Criteria: Ambry Variant Classification Scheme 2023. Collection method: clinical testing. Allele origin: germline.
Comment: The c.249+5G>A intronic variant results from a G to A substitution 5 nucleotides after coding exon 1 in the FLCN gene. This variant was reported in a family with features consistent with Birt-Hogg-Dube syndrome (external communication). This nucleotide position is highly conserved in available vertebrate species. In silico splice site analysis predicts that this alteration will weaken the native splice donor site and may result in the creation or strengthening of a novel splice donor site. RNA studies have demonstrated that this alteration results in abnormal splicing in the set of samples tested (Ambry internal data). Based on the majority of available evidence to date, this variant is likely to be pathogenic.

Labcorp Genetics (formerly Invitae), Labcorp
Classification: Likely pathogenic for Birt-Hogg-Dube syndrome. Last evaluated: 2025-11-09. Review status: criteria provided, single submitter. Criteria: Invitae Variant Classification Sherloc (09022015). Collection method: clinical testing. Allele origin: germline.
Comment: This sequence change falls in intron 4 of the FLCN gene. It does not directly change the encoded amino acid sequence of the FLCN protein. RNA analysis indicates that this variant induces altered splicing and may result in an absent or altered protein product. This variant is present in population databases (no rsID available, gnomAD 0.007%). This variant has not been reported in the literature in individuals affected with FLCN-related conditions. ClinVar contains an entry for this variant (Variation ID: 418211). Variants that disrupt the consensus splice site are a relatively common cause of aberrant splicing (PMID: 17576681, 9536098). Studies have shown that this variant results in activation of a cryptic splice site, and produces a non-functional protein and/or introduces a premature termination codon (internal data). In summary, the currently available evidence indicates that the variant is pathogenic, but additional data are needed to prove that conclusively. Therefore, this variant has been classified as Likely Pathogenic.

GeneDx
Classification: Likely pathogenic. Last evaluated: 2015-06-01. Review status: criteria provided, single submitter. Criteria: GeneDx Variant Classification (06012015). Collection method: clinical testing. Allele origin: germline. Affected: yes.
Comment: The c.249+5 G>A variant has not been published as a pathogenic variant, nor has it been reported as a benign polymorphism to our knowledge. This variant was not observed in approximately 6,500 individuals of European and African American ancestry in the NHLBI Exome Sequencing Project, indicating it is not a common benign variant in these populations. One in-silico splice prediction model predicted that c.249+5 G>A destroys the natural splicing donor site of intron 4. Additionally, this substitution occurs at a position that is well conserved in vertebrates. Therefore, this variant is a strong candidate for a pathogenic variant; however, the possibility that it is a benign variant cannot be excluded

Literature cited by the submitters: PubMed 17576681 (cited by Labcorp Genetics (formerly Invitae), Labcorp); PubMed 9536098 (cited by Labcorp Genetics (formerly Invitae), Labcorp).